The following is an entry in ClinVar:

NM_000143.4(FH):c.1016C>A (p.Ala339Glu)

Gene: FH (fumarate hydratase; minus strand). Cytogenetic location: 1q43.
Variant type: single nucleotide variant.
Coding change: c.1016C>A on transcript NM_000143.4 (MANE Select); coding-DNA position 1016, C replaced by A.
Protein change: p.Ala339Glu; replaces alanine 339 with glutamic acid.
Molecular consequence: missense variant.
Genome position (GRCh38, 1-based): chr1:241,504,134, G>T on the plus strand (C>A on the coding strand, the complement: FH is on the minus strand). VCF-style: chr1-241504134-G-T. GRCh37 (hg19) VCF-style: chr1-241667434-G-T.
Other names: short protein forms A339E.
Identifiers: ClinVar variation 946722 (VCV000946722.14), dbSNP rs1659852423, ClinGen allele CA345438214.

ClinVar aggregate classification (germline): Conflicting classifications of pathogenicity. Review status: criteria provided, conflicting classifications (1 of 4 stars). 3 submissions from 3 submitters: Likely pathogenic (1); Uncertain significance (2). Last evaluated 2026-08-15.

Conditions:
Hereditary leiomyomatosis and renal cell cancer. Also called: LEIOMYOMA, MULTIPLE CUTANEOUS; MULTIPLE CUTANEOUS AND UTERINE LEIOMYOMATA 1, WITH OR WITHOUT RENAL CELL CARCINOMA; FH tumor predisposition syndrome; Reed syndrome; Multiple cutaneous and uterine leiomyomatosis; Cutaneous leiomyomata with uterine leiomyomata. Identifiers: Orphanet 523, MedGen C1708350, MONDO:0007888, OMIM 150800, HP:0007437. Disease mechanism: loss of function.
Hereditary cancer-predisposing syndrome. Also called: Neoplastic Syndromes, Hereditary; Hereditary Cancer Syndrome; Tumor predisposition; Hereditary neoplastic syndrome. Identifiers: Orphanet 140162, MedGen C0027672, MeSH D009386, MONDO:0015356.

Submissions (3):

Ambry Genetics
Classification: Likely pathogenic for Hereditary cancer-predisposing syndrome. Last evaluated: 2026-08-15. Review status: criteria provided, single submitter. Criteria: Ambry Variant Classification Scheme 2023. Collection method: clinical testing. Allele origin: germline.
Comment: The p.A339E variant (also known as c.1016C>A), located in coding exon 7 of the FH gene, results from a C to A substitution at nucleotide position 1016. The alanine at codon 339 is replaced by glutamic acid, an amino acid with dissimilar properties. This variant was reported in individual(s) with features consistent with FH-related tumor predisposition syndrome (Ambry internal data; external communication). Internal structural analysis indicates that substitution is predicted to be more destabilizing than other nearby, known pathogenic variants (Ambry internal data). This amino acid position is highly conserved in available vertebrate species. In addition, this alteration is predicted to be deleterious by in silico analysis. This variant is considered to be rare based on population cohorts in the Genome Aggregation Database (gnomAD). Based on the majority of available evidence to date, this variant is likely to be pathogenic.

Molecular Pathology, Peter Maccallum Cancer Centre
Classification: Uncertain significance for Hereditary leiomyomatosis and renal cell cancer. Last evaluated: 2024-05-29. Review status: criteria provided, single submitter. Criteria: ACMG Guidelines, 2015. Collection method: clinical testing. Allele origin: germline. Inheritance: Autosomal dominant inheritance.

Labcorp Genetics (formerly Invitae), Labcorp
Classification: Uncertain significance. Last evaluated: 2019-07-10. Review status: criteria provided, single submitter. Criteria: Invitae Variant Classification Sherloc (09022015). Collection method: clinical testing. Allele origin: germline.
Comment: This sequence change replaces alanine with glutamic acid at codon 339 of the FH protein (p.Ala339Glu). The alanine residue is highly conserved and there is a moderate physicochemical difference between alanine and glutamic acid. This variant is not present in population databases (ExAC no frequency). This variant has not been reported in the literature in individuals with FH-related conditions. Algorithms developed to predict the effect of missense changes on protein structure and function are either unavailable or do not agree on the potential impact of this missense change (SIFT: "Deleterious"; PolyPhen-2: "Probably Damaging"; Align-GVGD: "Class C15"). In summary, the available evidence is currently insufficient to determine the role of this variant in disease. Therefore, it has been classified as a Variant of Uncertain Significance.